The following is an entry in ClinVar:

ClinVar aggregate classification (germline): Likely pathogenic (1 of 4 stars; one submission).

Conditions:
PCNT-related disorder. Also called: PCNT-related condition.

Submission:

PreventionGenetics, part of Exact Sciences
Classification: Likely pathogenic for PCNT-related condition. Last evaluated: 2026-08-31. Review status: criteria provided, single submitter. Criteria: ACMG Guidelines, 2015. Collection method: clinical testing. Allele origin: germline.
Comment: The PCNT c.3441_3445del5 variant is predicted to result in a frameshift and premature protein termination (p.Asp1147Glufs*45). To our knowledge, this variant has not been reported in the literature or in a large population database (gnomAD), indicating this variant is rare. Frameshift variants in PCNT are expected to be pathogenic. This variant is interpreted as likely pathogenic.

NM_006031.6(PCNT):c.3441_3445del (p.Asp1147fs)

Gene: PCNT (pericentrin; plus strand). Cytogenetic location: 21q22.3.
Variant type: Deletion.
Coding change: c.3441_3445del on transcript NM_006031.6 (MANE Select); coding-DNA positions 3441 to 3445, 5 bases deleted (CGTCA; older notation c.3441_3445delCGTCA).
Protein change: p.Asp1147fs; shifts the reading frame from aspartic acid 1147.
Molecular consequence: frameshift variant.
Genome position (GRCh38, 1-based): chr21:46,385,960-46,385,964, CGTCA deleted; deleting any 5 consecutive bases within chr21:46,385,959-46,385,964 gives the same sequence; the c. name uses the placement nearest the transcript's 3' end. VCF-style (leftmost placement, unchanged base first): chr21-46385958-GACGTC-G. GRCh37 (hg19) VCF-style: chr21-47805873-GACGTC-G.
Other names: c.3087_3091del, p.Asp1029fs (NM_001315529.2); short protein forms D1147fs, D1029fs.
Identifiers: ClinVar variation 4989513 (VCV004989513.1).